The following is an entry in ClinVar:

ClinVar aggregate classification (germline): Pathogenic (1 of 4 stars; one submission).

Conditions:
Peutz-Jeghers syndrome (PJS). Also called: POLYPOSIS, HAMARTOMATOUS INTESTINAL; POLYPS-AND-SPOTS SYNDROME; Peutz-Jeghers polyposis; Periorificial lentiginosis syndrome. Identifiers: Orphanet 2869, MedGen C0031269, MeSH D010580, MONDO:0008280, OMIM 175200.

Submission:

Labcorp Genetics (formerly Invitae), Labcorp
Classification: Pathogenic for Peutz-Jeghers syndrome. Last evaluated: 2022-09-26. Review status: criteria provided, single submitter. Criteria: Invitae Variant Classification Sherloc (09022015). Collection method: clinical testing. Allele origin: germline.
Comment: This sequence change creates a premature translational stop signal (p.Ser271Leufs*13) in the STK11 gene. It is expected to result in an absent or disrupted protein product. Loss-of-function variants in STK11 are known to be pathogenic (PMID: 15188174, 16287113). This variant is not present in population databases (gnomAD no frequency). This premature translational stop signal has been observed in individual(s) with Peutz-Jeghers syndrome (PMID: 19250387). It has also been observed to segregate with disease in related individuals. For these reasons, this variant has been classified as Pathogenic.

Literature cited by the submitters: PubMed 15188174; PubMed 16287113; PubMed 19250387.

NM_000455.5(STK11):c.811_812del (p.Ser271fs)

Gene: STK11 (serine/threonine kinase 11; plus strand). Cytogenetic location: 19p13.3.
Variant type: Deletion.
Coding change: c.811_812del on transcript NM_000455.5 (MANE Select); coding-DNA positions 811 to 812, 2 bases deleted (AG; older notation c.811_812delAG).
Protein change: p.Ser271fs; shifts the reading frame from serine 271.
Molecular consequence: frameshift variant.
Genome position (GRCh38, 1-based): chr19:1,221,289-1,221,290, AG deleted; deleting any 2 consecutive bases within chr19:1,221,288-1,221,290 gives the same sequence; the c. name uses the placement nearest the transcript's 3' end. VCF-style (leftmost placement, unchanged base first): chr19-1221287-GGA-G. GRCh37 (hg19) VCF-style: chr19-1221286-GGA-G.
Other names: c.811_812delAG, p.Ser271Leufs (NM_001407255.1); short protein forms S271fs.
Identifiers: ClinVar variation 2138177 (VCV002138177.4), dbSNP rs2512945234, ClinGen allele CA2580096109.